The following is an entry in ClinVar:

NM_138694.4(PKHD1):c.4815dup (p.Val1606fs)

Genes: PKHD1 (PKHD1 ciliary IPT domain containing fibrocystin/polyductin; minus strand), LOC126859690 (MED14-independent group 3 enhancer GRCh37_chr6:51888848-51890047; plus strand). Cytogenetic location: 6p12.2.
Variant type: Duplication.
Coding change: c.4815dup on transcript NM_138694.4 (MANE Select); coding-DNA position 4815, one base duplicated (A; older notation c.4815dupA).
Protein change: p.Val1606fs; shifts the reading frame from valine 1606.
Molecular consequence: frameshift variant.
Genome position (GRCh38, 1-based): chr6:52,024,995, T duplicated on the plus strand (A on the coding strand, the reverse complement: PKHD1 is on the minus strand). VCF-style (leftmost placement, unchanged base first): chr6-52024994-C-CT. GRCh37 (hg19) VCF-style: chr6-51889792-C-CT.
Other names: c.4815dup, p.Val1606fs (NM_170724.3); short protein forms V1606fs.
Identifiers: ClinVar variation 4816676 (VCV004816676.1).

ClinVar aggregate classification (germline): Likely pathogenic (1 of 4 stars; one submission).

Conditions:
Autosomal recessive polycystic kidney disease (ARPKD). Also called: AR polycystic kidney disease. Identifiers: Orphanet 731, Orphanet 8378, MedGen C0085548, MeSH D017044, MONDO:0009889.

Submission:

Natera, Inc.
Classification: Likely pathogenic for Autosomal recessive polycystic kidney disease. Last evaluated: 2025-07-23. Review status: criteria provided, single submitter. Criteria: Natera Variant Classification Schema (03/2026). Collection method: clinical testing. Allele origin: germline.
Comment: The c.4815dupA variant in PKHD1 is a frameshift variant predicted to shift the reading frame beginning at codon 1606 and leads to a stop codon 4 codons downstream. This variant is expected to result in nonsense mediated decay, truncation, or a dysfunctional protein product. This variant is rare in the general population with a frequency below the threshold expected for the associated phenotype(s). Given the available evidence, this variant is classified as Likely Pathogenic.